The following is an entry in ClinVar:

ClinVar aggregate classification (germline): Uncertain significance (1 of 4 stars; one submission).

Conditions:
Cardiovascular phenotype. Identifiers: MedGen CN230736.

Submission:

Ambry Genetics
Classification: Uncertain significance for Cardiovascular phenotype. Last evaluated: 2021-08-19. Review status: criteria provided, single submitter. Criteria: Ambry Variant Classification Scheme 2023. Collection method: clinical testing. Allele origin: germline.
Comment: The p.E574K variant (also known as c.1720G>A), located in coding exon 15 of the PTPN11 gene, results from a G to A substitution at nucleotide position 1720. The glutamic acid at codon 574 is replaced by lysine, an amino acid with similar properties. This amino acid position is conserved. In addition, this alteration is predicted to be tolerated by in silico analysis. Since supporting evidence is limited at this time, the clinical significance of this alteration remains unclear.

NM_002834.5(PTPN11):c.1720G>A (p.Glu574Lys)

Gene: PTPN11 (protein tyrosine phosphatase non-receptor type 11; plus strand). Cytogenetic location: 12q24.13.
Variant type: single nucleotide variant.
Coding change: c.1720G>A on transcript NM_002834.5 (MANE Select); coding-DNA position 1720, G replaced by A.
Protein change: p.Glu574Lys; replaces glutamic acid 574 with lysine.
Molecular consequence: missense variant.
Genome position (GRCh38, 1-based): chr12:112,504,702, G>A. VCF-style: chr12-112504702-G-A. GRCh37 (hg19) VCF-style: chr12-112942506-G-A.
Other names: c.1732G>A, p.Glu578Lys (NM_001330437.2); c.1717G>A, p.Glu573Lys (NM_001374625.1); short protein forms E578K, E574K, E573K.
Identifiers: ClinVar variation 1778761 (VCV001778761.2), dbSNP rs2540479309, ClinGen allele CA386784189.